The following is an entry in ClinVar:

ClinVar aggregate classification (germline): Conflicting classifications of pathogenicity. Review status: criteria provided, conflicting classifications (1 of 4 stars). 11 submissions from 10 submitters: Uncertain significance (1); Benign (5); Likely benign (3). 2 of the submissions do not count toward it. Last evaluated 2026-08-01.

Conditions:
Congenital myasthenic syndrome 3A. Also called: Myasthenic syndrome, congenital, 3a, slow-channel. Identifiers: Orphanet 590, MedGen C4225372, MONDO:0014583, OMIM 616321.
Congenital myasthenic syndrome (CMS). Also called: Congenital Myasthenic Syndromes. Identifiers: Orphanet 590, MedGen C0751882, MeSH D020294, MONDO:0018940.
Lethal multiple pterygium syndrome (LMPS). Identifiers: Orphanet 33108, MedGen C1854678, MONDO:0009668, OMIM 253290.

Allele frequency attached by ClinVar (database versions not stated): 1000 Genomes Project 0.00180; 1000 Genomes Project 30x 0.00187; TOPMed 0.00255; ESP Exome Variant Server 0.00261; gnomAD 0.00293 and 0.00305; gnomAD exomes 0.00324 and 0.00340; ExAC 0.00339.

Submissions (11):

CeGaT Center for Human Genetics Tuebingen
Classification: Likely benign. Last evaluated: 2026-08-01. Review status: criteria provided, single submitter. Criteria: CeGaT Center For Human Genetics Tuebingen Variant Classification Criteria Version 2. Collection method: clinical testing. Allele origin: germline. Affected: yes. Observed: 6 variant alleles.
Comment: CHRND: BS2

Labcorp Genetics (formerly Invitae), Labcorp
Classification: Benign for Lethal multiple pterygium syndrome. Last evaluated: 2026-02-01. Review status: criteria provided, single submitter. Criteria: Invitae Variant Classification Sherloc (09022015). Collection method: clinical testing. Allele origin: germline.

Athena Diagnostics
Classification: Benign. Last evaluated: 2025-11-04. Review status: criteria provided, single submitter. Criteria: Athena Diagnostics Criteria. Collection method: clinical testing. Allele origin: unknown.
Comment: The frequency of this variant in the general population is higher than would generally be expected for pathogenic variants in this gene.

Mayo Clinic Laboratories, Mayo Clinic
Classification: Benign. Last evaluated: 2025-03-11. Review status: criteria provided, single submitter. Criteria: ACMG Guidelines, 2015. Collection method: clinical testing. Allele origin: germline. Observed: 1 variant allele.
Comment: BA1, BP4

Centre for Mendelian Genomics, University Medical Centre Ljubljana
Classification: Uncertain significance for Congenital myasthenic syndrome 3A. Last evaluated: 2019-02-25. Review status: criteria provided, single submitter. Criteria: ACMG Guidelines, 2015. Collection method: clinical testing. Allele origin: unknown. Affected: yes.
Comment: This variant was classified as: Uncertain significance. The available evidence on this variant's pathogenicity is insufficient or conflicting. The following ACMG criteria were applied in classifying this variant: PP3,BP6.

Illumina Laboratory Services, Illumina
Classification: Likely benign for Congenital myasthenic syndrome. Last evaluated: 2018-01-12. Review status: criteria provided, single submitter. Criteria: ICSL Variant Classification Criteria 13 December 2019. Collection method: clinical testing. Allele origin: germline.
Comment: This variant was observed in the ICSL laboratory as part of a predisposition screen in an ostensibly healthy population. It had not been previously curated by ICSL or reported in the Human Gene Mutation Database (HGMD: prior to June 1st, 2018), and was therefore a candidate for classification through an automated scoring system. Utilizing variant allele frequency, disease prevalence and penetrance estimates, and inheritance mode, an automated score was calculated to assess if this variant is too frequent to cause the disease. Based on the score and internal cut-off values, a variant classified as likely benign is not then subjected to further curation. The score for this variant resulted in a classification of likely benign for this disease.

Illumina Laboratory Services, Illumina
Classification: Likely benign for Lethal multiple pterygium syndrome. Last evaluated: 2018-01-12. Review status: criteria provided, single submitter. Criteria: ICSL Variant Classification Criteria 13 December 2019. Collection method: clinical testing. Allele origin: germline.
Comment: the same text as in the submission from Illumina Laboratory Services, Illumina above.

Center for Pediatric Genomic Medicine, Children's Mercy Hospital and Clinics
Classification: Benign. Last evaluated: 2015-12-23. Review status: criteria provided, single submitter. Criteria: ACMG Guidelines, 2015. Collection method: clinical testing. Allele origin: germline.

Eurofins Ntd Llc (ga)
Classification: Benign. Last evaluated: 2015-01-06. Review status: criteria provided, single submitter. Criteria: EGL Classification Definitions 2015. Collection method: clinical testing. Allele origin: germline. Observed: 1 variant allele, 1 heterozygote.

Clinical Genetics DNA and cytogenetics Diagnostics Lab, Erasmus MC, Erasmus Medical Center
Classification: Likely benign. Review status: no assertion criteria provided. Collection method: clinical testing. Allele origin: germline. Affected: yes. Study: VKGL Data-share Consensus. Not counted in ClinVar's aggregate classification.

Genome Diagnostics Laboratory, University Medical Center Utrecht
Classification: Likely benign. Review status: no assertion criteria provided. Collection method: clinical testing. Allele origin: germline. Affected: yes. Study: VKGL Data-share Consensus. Not counted in ClinVar's aggregate classification.

Literature cited by the submitters: PubMed 30467950 (cited by Mayo Clinic Laboratories, Mayo Clinic).

NM_000751.3(CHRND):c.1105C>T (p.Pro369Ser)

Gene: CHRND (cholinergic receptor nicotinic delta subunit; plus strand). Cytogenetic location: 2q37.1.
Variant type: single nucleotide variant.
Coding change: c.1105C>T on transcript NM_000751.3 (MANE Select); coding-DNA position 1105, C replaced by T.
Protein change: p.Pro369Ser; replaces proline 369 with serine.
Molecular consequence: missense variant.
Genome position (GRCh38, 1-based): chr2:232,533,988, C>T. VCF-style: chr2-232533988-C-T. GRCh37 (hg19) VCF-style: chr2-233398698-C-T.
Other names: p.Pro369Ser; c.1060C>T, p.Pro354Ser (NM_001256657.2); c.523C>T, p.Pro175Ser (NM_001311195.2); c.802C>T, p.Pro268Ser (NM_001311196.2); c.1105C>T (NM_000751.1); short protein forms P369S, P175S, P268S, P354S.
Identifiers: ClinVar variation 193603 (VCV000193603.53), dbSNP rs2229194, ClinGen allele CA200681.
Genomic context (GRCh38, chr2:232,533,988, plus strand): 5'-CAGCTCTTCCTGGAGACCCTGCCGGAGCTCCTGCACATGTCCCGCCCAGCAGAGGATGGA[C>T]CCAGCCCTGGGGCCCTGGTGCGGAGGAGCAGCTCCCTGGGATACATCTCCAAGGCCGAGG-3'
Protein context (NP_000742.1, residues 359-379): LHMSRPAEDG[Pro369Ser]SPGALVRRSS